The following is an entry in ClinVar:

ClinVar aggregate classification (germline): Likely benign. Review status: criteria provided, single submitter (1 of 4 stars). 2 submissions from 2 submitters: Likely benign (1). 1 of the submissions does not count toward it. Last evaluated 2023-02-01.

Conditions:
DNAH7-related disorder. Also called: DNAH7-related condition.

Allele frequency attached by ClinVar (database versions not stated): 1000 Genomes Project 0.00140; 1000 Genomes Project 30x 0.00187; gnomAD 0.00247; TOPMed 0.00254; ESP Exome Variant Server 0.00315; ExAC 0.00388.
gnomAD v4.1: 5,760 of 1,613,586 alleles (0.36%); highest among the groups gnomAD compares: Middle Eastern, 0.51%; 18 homozygotes.

Submissions (2):

CeGaT Center for Human Genetics Tuebingen
Classification: Likely benign. Last evaluated: 2023-02-01. Review status: criteria provided, single submitter. Criteria: CeGaT Center For Human Genetics Tuebingen Variant Classification Criteria Version 2. Collection method: clinical testing. Allele origin: germline. Affected: yes. Observed: 1 variant allele.
Comment: DNAH7: BS2

PreventionGenetics, part of Exact Sciences
Classification: Benign for DNAH7-related condition. Last evaluated: 2019-05-08. Review status: no assertion criteria provided. Collection method: clinical testing. Allele origin: germline. Not counted in ClinVar's aggregate classification.
Comment: This variant is classified as benign based on ACMG/AMP sequence variant interpretation guidelines (Richards et al. 2015 PMID: 25741868, with internal and published modifications).

NM_018897.3(DNAH7):c.9920C>G (p.Thr3307Ser)

Gene: DNAH7 (dynein axonemal heavy chain 7; minus strand). Cytogenetic location: 2q32.3.
Variant type: single nucleotide variant.
Coding change: c.9920C>G on transcript NM_018897.3 (MANE Select); coding-DNA position 9920, C replaced by G.
Protein change: p.Thr3307Ser; replaces threonine 3307 with serine.
Molecular consequence: missense variant.
Genome position (GRCh38, 1-based): chr2:195,808,845, G>C on the plus strand (C>G on the coding strand, the complement: DNAH7 is on the minus strand). VCF-style: chr2-195808845-G-C. GRCh37 (hg19) VCF-style: chr2-196673569-G-C.
Other names: c.9920C>G (NM_018897.2); short protein forms T3307S.
Identifiers: ClinVar variation 2651774 (VCV002651774.25), dbSNP rs144112024, ClinGen allele CA2034239.